The following is an entry in ClinVar:

ClinVar aggregate classification (germline): Conflicting classifications of pathogenicity. Review status: criteria provided, conflicting classifications (1 of 4 stars). 2 submissions from 2 submitters: Pathogenic (1); Uncertain significance (1). Last evaluated 2023-12-07.

Conditions:
Aneurysm-osteoarthritis syndrome. Also called: SMAD3-Related Loeys-Dietz Syndrome; LOEYS-DIETZ SYNDROME WITH OSTEOARTHRITIS; ANEURYSMS-OSTEOARTHRITIS SYNDROME; Loeys-Dietz syndrome, type 1C. Identifiers: Orphanet 284984, MedGen C3151087, MONDO:0013426, OMIM 613795.
Familial thoracic aortic aneurysm and aortic dissection (TAAD). Also called: Thoracic aortic aneurysms and dissections. Identifiers: Orphanet 91387, MedGen C4707243, MONDO:0019625.

Submissions (2):

Labcorp Genetics (formerly Invitae), Labcorp
Classification: Pathogenic for Familial thoracic aortic aneurysm and aortic dissection. Last evaluated: 2023-12-07. Review status: criteria provided, single submitter. Criteria: Invitae Variant Classification Sherloc (09022015). Collection method: clinical testing. Allele origin: germline.
Comment: This sequence change replaces glycine, which is neutral and non-polar, with valine, which is neutral and non-polar, at codon 291 of the SMAD3 protein (p.Gly291Val). This variant is not present in population databases (gnomAD no frequency). This missense change has been observed in individuals with clinical features of SMAD3-related conditions (Invitae). It has also been observed to segregate with disease in related individuals. ClinVar contains an entry for this variant (Variation ID: 543904). An algorithm developed to predict the effect of missense changes on protein structure and function (PolyPhen-2) suggests that this variant is likely to be disruptive. Algorithms developed to predict the effect of sequence changes on RNA splicing suggest that this variant may disrupt the consensus splice site. For these reasons, this variant has been classified as Pathogenic.

All of Us Research Program, National Institutes of Health
Classification: Uncertain significance for Aneurysm-osteoarthritis syndrome. Last evaluated: 2023-08-15. Review status: criteria provided, single submitter. Criteria: ACMG Guidelines, 2015. Collection method: clinical testing. Allele origin: germline. Inheritance: Autosomal dominant inheritance. Observed: 1 variant allele, 1 heterozygote.
Comment: This missense variant replaces glycine with valine at codon 291 of the SMAD3 protein. Computational prediction suggests that this variant may have a deleterious impact on protein structure and function (internally defined REVEL score threshold >= 0.7, PMID: 27666373). Splice site prediction tools are inconclusive regarding the impact of this variant on RNA splicing. To our knowledge, functional studies have not been reported for this variant. This variant has not been reported in individuals affected with SMAD3-related disorders in the literature. This variant has not been identified in the general population by the Genome Aggregation Database (gnomAD). The available evidence is insufficient to determine the role of this variant in disease conclusively. Therefore, this variant is classified as a Variant of Uncertain Significance.

This study involves interpretation of variants in research participants for the purpose of population health screening. Participant phenotype was not available at the time of variant classification. Additional details can be found in publication PMID: 35346344, PMCID: PMC8962531

NM_005902.4(SMAD3):c.872G>T (p.Gly291Val)

Gene: SMAD3 (SMAD family member 3; plus strand). Cytogenetic location: 15q22.33.
Variant type: single nucleotide variant.
Coding change: c.872G>T on transcript NM_005902.4 (MANE Select); coding-DNA position 872, G replaced by T.
Protein change: p.Gly291Val; replaces glycine 291 with valine.
Molecular consequence: missense variant.
Genome position (GRCh38, 1-based): chr15:67,184,727, G>T. VCF-style: chr15-67184727-G-T. GRCh37 (hg19) VCF-style: chr15-67477065-G-T.
Other names: c.557G>T, p.Gly186Val (NM_001145102.2); c.740G>T, p.Gly247Val (NM_001145103.2); c.287G>T, p.Gly96Val (NM_001145104.2); short protein forms G291V, G247V, G186V, G96V.
Identifiers: ClinVar variation 543904 (VCV000543904.11), dbSNP rs1555413991, ClinGen allele CA392956636.
Genomic context (GRCh38, chr15:67,184,727, plus strand): 5'-CCCCAGGGCCATTGTGTGTGAGCAAAGGCACCCTGTCCAGTCTAACCTGAATCTCTGTAG[G>T]AAGAGGCGTGCGGCTCTACTACATCGGAGGGGAGGTCTTCGCAGAGTGCCTCAGTGACAG-3'
Protein context (NP_005893.1, residues 281-301): AAVELTRRHI[Gly291Val]RGVRLYYIGG